The following is an entry in ClinVar:

ClinVar aggregate classification (germline): Uncertain significance (1 of 4 stars; one submission).

Conditions:
Charcot-Marie-Tooth disease axonal type 2S. Also called: CHARCOT-MARIE-TOOTH NEUROPATHY, TYPE 2S; CHARCOT-MARIE-TOOTH DISEASE, AXONAL, AUTOSOMAL RECESSIVE, TYPE 2S. Identifiers: Orphanet 443073, MedGen C4015349, MONDO:0014511, OMIM 616155.
Autosomal recessive distal spinal muscular atrophy 1. Also called: SEVERE INFANTILE AXONAL NEUROPATHY WITH RESPIRATORY FAILURE; SPINAL MUSCULAR ATROPHY, DIAPHRAGMATIC; Spinal muscular atrophy with respiratory distress 1; HMN VI; NEURONOPATHY, DISTAL HEREDITARY MOTOR, HARDING TYPE VI; NEUROPATHY, DISTAL HEREDITARY MOTOR, AUTOSOMAL RECESSIVE 1. Identifiers: Orphanet 98920, MedGen C1858517, MONDO:0011436, OMIM 604320.

Submission:

Labcorp Genetics (formerly Invitae), Labcorp
Classification: Uncertain significance for Autosomal recessive distal spinal muscular atrophy 1; Charcot-Marie-Tooth disease axonal type 2S. Last evaluated: 2022-03-07. Review status: criteria provided, single submitter. Criteria: Invitae Variant Classification Sherloc (09022015). Collection method: clinical testing. Allele origin: germline.
Comment: In summary, the available evidence is currently insufficient to determine the role of this variant in disease. Therefore, it has been classified as a Variant of Uncertain Significance. Algorithms developed to predict the effect of missense changes on protein structure and function are either unavailable or do not agree on the potential impact of this missense change (SIFT: "Not Available"; PolyPhen-2: "Benign"; Align-GVGD: "Not Available"). ClinVar contains an entry for this variant (Variation ID: 846411). This variant has not been reported in the literature in individuals affected with IGHMBP2-related conditions. The frequency data for this variant in the population databases is considered unreliable, as metrics indicate poor data quality at this position in the gnomAD database. This sequence change replaces alanine, which is neutral and non-polar, with leucine, which is neutral and non-polar, at codon 432 of the IGHMBP2 protein (p.Ala432Leu).

NM_002180.3(IGHMBP2):c.1294_1295delinsTT (p.Ala432Leu)

Gene: IGHMBP2 (immunoglobulin mu DNA binding protein 2; plus strand). Cytogenetic location: 11q13.3.
Variant type: Indel.
Coding change: c.1294_1295delinsTT on transcript NM_002180.3 (MANE Select); coding-DNA positions 1294 to 1295, GC replaced by TT.
Protein change: p.Ala432Leu; replaces alanine 432 with leucine.
Molecular consequence: missense variant.
Genome position (GRCh38, 1-based): chr11:68,933,357-68,933,358, GC replaced by TT. VCF-style: chr11-68933357-GC-TT. GRCh37 (hg19) VCF-style: chr11-68700825-GC-TT.
Other names: short protein forms A432L.
Identifiers: ClinVar variation 846411 (VCV000846411.10), dbSNP rs1859389487, ClinGen allele CA916080431.
Genomic context (GRCh38, chr11:68,933,357, plus strand): 5'-AGGGCTGCGCTGGCAGGACTGTCACTCAGCCTGATGGAACGCCTGGCTGAGGAGTACGGC[GC>TT]GAGGGTGGTGCGGACACTGACGGTGCAGTACCGCATGCACCAGGCTATCATGCGCTGGGC-3'
Protein context (NP_002171.2, residues 422-442): LMERLAEEYG[Ala432Leu]RVVRTLTVQY